The following is an entry in ClinVar:

NM_022051.3(EGLN1):c.1006G>C (p.Ala336Pro)

Gene: EGLN1 (egl-9 family hypoxia inducible factor 1; minus strand). Cytogenetic location: 1q42.2.
Variant type: single nucleotide variant.
Coding change: c.1006G>C on transcript NM_022051.3 (MANE Select); coding-DNA position 1006, G replaced by C.
Protein change: p.Ala336Pro; replaces alanine 336 with proline.
Molecular consequence: missense variant.
Genome position (GRCh38, 1-based): chr1:231,373,985, C>G on the plus strand (G>C on the coding strand, the complement: EGLN1 is on the minus strand). VCF-style: chr1-231373985-C-G. GRCh37 (hg19) VCF-style: chr1-231509731-C-G.
Other names: c.1006G>C, p.Ala336Pro (NM_001377260.1, NM_001377261.1); short protein forms A336P.
Identifiers: ClinVar variation 4702202 (VCV004702202.1).

ClinVar aggregate classification (germline): Uncertain significance (1 of 4 stars; one submission).

Conditions:
Erythrocytosis, familial, 3 (ECYT3). Identifiers: Orphanet 247511, MedGen C1853286, MONDO:0012353, OMIM 609820.

gnomAD v4.1: 1 of 1,613,810 alleles (0.000062%); highest among the groups gnomAD compares: South Asian, 0.0011%; no homozygotes.

Submission:

Labcorp Genetics (formerly Invitae), Labcorp
Classification: Uncertain significance for Erythrocytosis, familial, 3. Last evaluated: 2025-10-18. Review status: criteria provided, single submitter. Criteria: Invitae Variant Classification Sherloc (09022015). Collection method: clinical testing. Allele origin: germline.
Comment: This sequence change replaces alanine, which is neutral and non-polar, with proline, which is neutral and non-polar, at codon 336 of the EGLN1 protein (p.Ala336Pro). This variant is not present in population databases (gnomAD no frequency). This variant has not been reported in the literature in individuals affected with EGLN1-related conditions. An algorithm developed to predict the effect of missense changes on protein structure and function (PolyPhen-2) suggests that this variant is likely to be disruptive. In summary, the available evidence is currently insufficient to determine the role of this variant in disease. Therefore, it has been classified as a Variant of Uncertain Significance.